The following is an entry in ClinVar:

ClinVar aggregate classification (germline): Uncertain significance (1 of 4 stars; one submission).

Conditions:
TP63-Related Spectrum Disorders.

Submission:

Labcorp Genetics (formerly Invitae), Labcorp
Classification: Uncertain significance. Last evaluated: 2022-08-27. Review status: criteria provided, single submitter. Criteria: Invitae Variant Classification Sherloc (09022015). Collection method: clinical testing. Allele origin: germline.
Comment: In summary, the available evidence is currently insufficient to determine the role of this variant in disease. Therefore, it has been classified as a Variant of Uncertain Significance. Algorithms developed to predict the effect of missense changes on protein structure and function are either unavailable or do not agree on the potential impact of this missense change (SIFT: "Deleterious"; PolyPhen-2: "Benign"; Align-GVGD: "Class C0"). This variant has not been reported in the literature in individuals affected with TP63-related conditions. This variant is not present in population databases (gnomAD no frequency). This sequence change replaces isoleucine, which is neutral and non-polar, with threonine, which is neutral and polar, at codon 482 of the TP63 protein (p.Ile482Thr).

NM_003722.5(TP63):c.1445T>C (p.Ile482Thr)

Gene: TP63 (tumor protein p63; plus strand). Cytogenetic location: 3q28.
Variant type: single nucleotide variant.
Coding change: c.1445T>C on transcript NM_003722.5 (MANE Select); coding-DNA position 1445, T replaced by C.
Protein change: p.Ile482Thr; replaces isoleucine 482 with threonine.
Molecular consequence: missense variant.
Genome position (GRCh38, 1-based): chr3:189,886,489, T>C. VCF-style: chr3-189886489-T-C. GRCh37 (hg19) VCF-style: chr3-189604278-T-C.
Other names: c.1445T>C, p.Ile482Thr (NM_001114978.2, NM_001329144.2); c.1163T>C, p.Ile388Thr (NM_001114980.2, NM_001114981.2, NM_001329145.2); c.908T>C, p.Ile303Thr (NM_001329146.2); c.1433T>C, p.Ile478Thr (NM_001329148.2); c.1151T>C, p.Ile384Thr (NM_001329149.2); c.896T>C, p.Ile299Thr (NM_001329150.2); c.1439T>C, p.Ile480Thr (NM_001329964.2); short protein forms I299T, I303T, I384T, I388T, I478T, I480T, I482T.
Identifiers: ClinVar variation 1718155 (VCV001718155.4), dbSNP rs2474696106, ClinGen allele CA355757453.
Genomic context (GRCh38, chr3:189,886,489, plus strand): 5'-GCTCCCCACCTCTGAACAAAATGAACAGCATGAACAAGCTGCCTTCTGTGAGCCAGCTTA[T>C]CAACCCTCAGCAGCGCAACGCCCTCACTCCTACAACCATTCCTGATGGCATGGGAGCCAA-3'
Protein context (NP_003713.3, residues 472-492): MNKLPSVSQL[Ile482Thr]NPQQRNALTP